The following is an entry in ClinVar:

ClinVar aggregate classification (germline): Uncertain significance. Review status: criteria provided, multiple submitters, no conflicts (2 of 4 stars). 2 submissions from 2 submitters: Uncertain significance (2). Last evaluated 2025-03-30.

Conditions:
Hereditary cancer-predisposing syndrome. Also called: Tumor predisposition; Neoplastic Syndromes, Hereditary; Hereditary Cancer Syndrome; Hereditary neoplastic syndrome. Identifiers: Orphanet 140162, MedGen C0027672, MeSH D009386, MONDO:0015356.
EGFR-related lung cancer (EGFR). Identifiers: MedGen CN130014.

Allele frequency attached by ClinVar (database versions not stated): gnomAD exomes below 0.00001.
gnomAD v4.1: 1 of 1,614,230 alleles (0.000062%); highest among the groups gnomAD compares: South Asian, 0.0011%; no homozygotes.

Submissions (2):

Ambry Genetics
Classification: Uncertain significance for Hereditary cancer-predisposing syndrome. Last evaluated: 2025-03-30. Review status: criteria provided, single submitter. Criteria: Ambry Variant Classification Scheme 2023. Collection method: clinical testing. Allele origin: germline.
Comment: The p.I1050M variant (also known as c.3150T>G), located in coding exon 26 of the EGFR gene, results from a T to G substitution at nucleotide position 3150. The isoleucine at codon 1050 is replaced by methionine, an amino acid with highly similar properties. This amino acid position is conserved. In addition, this alteration is predicted to be tolerated by in silico analysis. Based on the available evidence, the clinical significance of this variant remains unclear.

Labcorp Genetics (formerly Invitae), Labcorp
Classification: Uncertain significance for EGFR-related lung cancer. Last evaluated: 2024-01-04. Review status: criteria provided, single submitter. Criteria: Invitae Variant Classification Sherloc (09022015). Collection method: clinical testing. Allele origin: germline.
Comment: This sequence change replaces isoleucine, which is neutral and non-polar, with methionine, which is neutral and non-polar, at codon 1050 of the EGFR protein (p.Ile1050Met). This variant is not present in population databases (gnomAD no frequency). This variant has not been reported in the literature in individuals affected with EGFR-related conditions. ClinVar contains an entry for this variant (Variation ID: 1383851). An algorithm developed to predict the effect of missense changes on protein structure and function (PolyPhen-2) suggests that this variant is likely to be tolerated. In summary, the available evidence is currently insufficient to determine the role of this variant in disease. Therefore, it has been classified as a Variant of Uncertain Significance.

NM_005228.5(EGFR):c.3150T>G (p.Ile1050Met)

Gene: EGFR (epidermal growth factor receptor; plus strand). Cytogenetic location: 7p11.2.
Variant type: single nucleotide variant.
Coding change: c.3150T>G on transcript NM_005228.5 (MANE Select); coding-DNA position 3150, T replaced by G.
Protein change: p.Ile1050Met; replaces isoleucine 1050 with methionine.
Molecular consequence: missense variant.
Genome position (GRCh38, 1-based): chr7:55,201,770, T>G. VCF-style: chr7-55201770-T-G. GRCh37 (hg19) VCF-style: chr7-55269463-T-G.
Other names: c.3015T>G, p.Ile1005Met (NM_001346897.2, NM_001346899.2); c.3150T>G, p.Ile1050Met (NM_001346898.2); c.2991T>G, p.Ile997Met (NM_001346900.2); c.2349T>G, p.Ile783Met (NM_001346941.2); c.3150T>G (NM_005228.3); short protein forms I1005M, I783M, I997M, I1050M.
Identifiers: ClinVar variation 1383851 (VCV001383851.7), dbSNP rs2128972543, ClinGen allele CA367583000.
Genomic context (GRCh38, chr7:55,201,770, plus strand): 5'-GGCAACTTCTCTGTTTCTTTTTCAGAGTGCAACCAGCAACAATTCCACCGTGGCTTGCAT[T>G]GATAGAAATGGGGTATGTATGAACACCTTATAAGCCAGAATTTACAGCTCTCCACTATGG-3'
Protein context (NP_005219.2, residues 1040-1060): ATSNNSTVAC[Ile1050Met]DRNGLQSCPI